The following is an entry in ClinVar:

ClinVar aggregate classification (germline): Benign/Likely benign. Review status: criteria provided, multiple submitters, no conflicts (2 of 4 stars). 3 submissions from 3 submitters: Benign (1); Likely benign (2). Last evaluated 2025-10-09.

Conditions:
Hereditary cancer-predisposing syndrome. Also called: Tumor predisposition; Hereditary neoplastic syndrome; Neoplastic Syndromes, Hereditary; Hereditary Cancer Syndrome. Identifiers: Orphanet 140162, MedGen C0027672, MeSH D009386, MONDO:0015356.
Hereditary leiomyomatosis and renal cell cancer. Also called: Familial leiomyomatosis; MULTIPLE CUTANEOUS AND UTERINE LEIOMYOMATA 1, WITH OR WITHOUT RENAL CELL CARCINOMA; Multiple cutaneous leiomyomas; Reed syndrome; Multiple cutaneous and uterine leiomyomatosis; Cutaneous leiomyomata with uterine leiomyomata. Identifiers: Orphanet 523, MedGen C1708350, MONDO:0007888, OMIM 150800, HP:0007437. Disease mechanism: loss of function.

Allele frequency attached by ClinVar (database versions not stated): TOPMed below 0.00001; ExAC 0.00001; gnomAD 0.00001; gnomAD exomes 0.00001 and 0.00002.

Submissions (3):

Labcorp Genetics (formerly Invitae), Labcorp
Classification: Likely benign. Last evaluated: 2025-10-09. Review status: criteria provided, single submitter. Criteria: Invitae Variant Classification Sherloc (09022015). Collection method: clinical testing. Allele origin: germline.

Myriad Genetics, Inc.
Classification: Benign for Hereditary leiomyomatosis and renal cell cancer. Last evaluated: 2024-10-17. Review status: criteria provided, single submitter. Criteria: Myriad Autosomal Dominant, Autosomal Recessive and X-Linked Classification Criteria (2023). Collection method: clinical testing. Allele origin: unknown.
Comment: This variant is considered benign. This variant is a silent/synonymous amino acid change and it is not expected to impact splicing.

Ambry Genetics
Classification: Likely benign for Hereditary cancer-predisposing syndrome. Last evaluated: 2020-05-28. Review status: criteria provided, single submitter. Criteria: Ambry Variant Classification Scheme 2023. Collection method: clinical testing. Allele origin: germline.

NM_000143.4(FH):c.153G>A (p.Arg51=)

Gene: FH (fumarate hydratase; minus strand). Cytogenetic location: 1q43.
Variant type: single nucleotide variant.
Coding change: c.153G>A on transcript NM_000143.4 (MANE Select); coding-DNA position 153, G replaced by A.
Protein change: p.Arg51=; no amino-acid change (arginine 51 retained).
Molecular consequence: synonymous variant.
Genome position (GRCh38, 1-based): chr1:241,517,296, C>T on the plus strand (G>A on the coding strand, the complement: FH is on the minus strand). VCF-style: chr1-241517296-C-T. GRCh37 (hg19) VCF-style: chr1-241680596-C-T.
Identifiers: ClinVar variation 460346 (VCV000460346.15), dbSNP rs757002779, ClinGen allele CA1478758.
Genomic context (GRCh38, chr1:241,517,296, plus strand): 5'-CTGGGCGCCATAATACTTATCATTTGGCACCTTTAGTTCACCAAAGGTATCATATTCTAT[C>T]CGGAAGGAATTTTGGCTTGCCTAAAGACAAGAATACAACACTATTACAAGTTGAAAAGAA-3'
Protein context (NP_000134.2, residues 41-61): AARMASQNSF[Arg51=]IEYDTFGELK